The following is an entry in ClinVar:

ClinVar aggregate classification (germline): Pathogenic. Review status: criteria provided, multiple submitters, no conflicts (2 of 4 stars). 3 submissions from 3 submitters: Pathogenic (2). 1 of the submissions does not count toward it. Last evaluated 2022-10-29.

Conditions:
RTN4IP1-related disorder. Also called: RTN4IP1-related condition.
Optic atrophy 10 with or without ataxia, impaired intellectual development, and seizures. Also called: Optic atrophy 10 with or without ataxia, intellectual disability, and seizures; OPTIC ATROPHY 10 WITH OR WITHOUT ATAXIA, MENTAL RETARDATION, AND SEIZURES. Identifiers: MedGen C4225227, MONDO:0020737, OMIM 616732.

Allele frequency attached by ClinVar (database versions not stated): TOPMed 0.00001; gnomAD exomes 0.00002 and 0.00001; gnomAD 0.00001; ExAC 0.00002.
gnomAD v4.1: 18 of 1,613,454 alleles (0.0011%); highest among the groups gnomAD compares: East Asian, 0.0045%; no homozygotes.

Submissions (3):

Laboratorio de Genetica e Diagnostico Molecular, Hospital Israelita Albert Einstein
Classification: Pathogenic for Optic atrophy 10 with or without ataxia, impaired intellectual development, and seizures. Last evaluated: 2022-10-29. Review status: criteria provided, single submitter. Criteria: ACMG Guidelines, 2015. Collection method: clinical testing. Allele origin: germline. Affected: yes. Observed: 1 variant allele.
Comment: ACMG classification criteria: PVS1 very strong, PM2 supporting, PM3 supporting

Blueprint Genetics
Classification: Pathogenic for RTN4IP1-related disorders. Last evaluated: 2021-10-13. Review status: criteria provided, single submitter. Criteria: ACMG Guidelines, 2015. Collection method: clinical testing. Allele origin: germline. Affected: yes. Observed: 4 variant alleles.

OMIM
Classification: Pathogenic for OPTIC ATROPHY 10 WITH OR WITHOUT ATAXIA, MENTAL RETARDATION, AND SEIZURES. Last evaluated: 2022-05-05. Review status: no assertion criteria provided. Collection method: literature only. Allele origin: germline. Not counted in ClinVar's aggregate classification.

Literature cited by the submitters: PubMed 28638143 (cited by OMIM); PubMed 29181510 (cited by OMIM).

NM_032730.5(RTN4IP1):c.806+1G>A

Gene: RTN4IP1 (reticulon 4 interacting protein 1; minus strand). Cytogenetic location: 6q21.
Variant type: single nucleotide variant.
Coding change: c.806+1G>A on transcript NM_032730.5 (MANE Select); the canonical splice donor site of the intron after coding-DNA position 806, G replaced by A.
Molecular consequence: splice donor variant.
Genome position (GRCh38, 1-based): chr6:106,592,163, C>T on the plus strand (G>A on the coding strand, the complement: RTN4IP1 is on the minus strand). VCF-style: chr6-106592163-C-T. GRCh37 (hg19) VCF-style: chr6-107040038-C-T.
Other names: c.506+1G>A (NM_001318746.1).
Identifiers: ClinVar variation 997855 (VCV000997855.4), dbSNP rs772984484, ClinGen allele CA3944365.